The following is an entry in ClinVar:

NM_182961.4(SYNE1):c.11861_11875del (p.Ser3954_Thr3958del)

Gene: SYNE1 (spectrin repeat containing nuclear envelope protein 1; minus strand). Cytogenetic location: 6q25.2.
Variant type: Deletion.
Coding change: c.11861_11875del on transcript NM_182961.4 (MANE Select); coding-DNA positions 11861 to 11875, 15 bases deleted (GCAGCCTGGAGACAA).
Protein change: p.Ser3954_Thr3958del.
Molecular consequence: inframe deletion. On other transcripts: intron variant (1).
Genome position (GRCh38, 1-based): chr6:152,350,194-152,350,208, TTGTCTCCAGGCTGC deleted on the plus strand (GCAGCCTGGAGACAA on the coding strand, the reverse complement: SYNE1 is on the minus strand); deleting any 15 consecutive bases within chr6:152,350,194-152,350,219 gives the same sequence; the c. name uses the placement nearest the transcript's 3' end. VCF-style (leftmost placement, unchanged base first): chr6-152350193-ATTGTCTCCAGGCTGC-A. GRCh37 (hg19) VCF-style: chr6-152671328-ATTGTCTCCAGGCTGC-A.
Other names: c.11688+410_11688+424del (NM_033071.5).
Identifiers: ClinVar variation 448549 (VCV000448549.3), dbSNP rs1200141982, ClinGen allele CA571437868.
Genomic context (GRCh38, chr6:152,350,193, plus strand): 5'-CATCCCAAAGGCAGCCCTTTAAAGGTCAGGGGTACCTTGTGGTGGGCCAATTGCTGGGTG[ATTGTCTCCAGGCTGC>A]TTGTCTCCAGGAGGTCAGGTGCCACCAGTCTGCCAGACATCTGCAGCAGCCACTTTTCGA-3'

ClinVar aggregate classification (germline): Uncertain significance. Review status: criteria provided, multiple submitters, no conflicts (2 of 4 stars). 2 submissions from 2 submitters: Uncertain significance (2). Last evaluated 2024-06-27.

Submissions (2):

Athena Diagnostics
Classification: Uncertain significance. Last evaluated: 2024-06-27. Review status: criteria provided, single submitter. Criteria: Athena Diagnostics Criteria. Collection method: clinical testing. Allele origin: unknown.
Comment: Available data are insufficient to determine the clinical significance of the variant at this time. The frequency of this variant in the general population is uninformative in assessment of its pathogenicity. Computational tools yielded predictions that this variant is unlikely to have an effect on normal RNA splicing.

Blueprint Genetics
Classification: Uncertain significance. Last evaluated: 2019-12-17. Review status: criteria provided, single submitter. Criteria: ACMG Guidelines, 2015. Collection method: clinical testing. Allele origin: germline.